The following is an entry in ClinVar:

ClinVar aggregate classification (germline): Uncertain significance. Review status: criteria provided, multiple submitters, no conflicts (2 of 4 stars). 2 submissions from 2 submitters: Uncertain significance (2). Last evaluated 2025-05-26.

Conditions:
Hereditary cancer-predisposing syndrome. Also called: Hereditary neoplastic syndrome; Neoplastic Syndromes, Hereditary; Hereditary Cancer Syndrome; Tumor predisposition. Identifiers: Orphanet 140162, MedGen C0027672, MeSH D009386, MONDO:0015356.
Hereditary nonpolyposis colorectal neoplasms. Identifiers: MedGen C0009405, MeSH D003123.

Allele frequency attached by ClinVar (database versions not stated): gnomAD exomes below 0.00001.

Submissions (2):

Labcorp Genetics (formerly Invitae), Labcorp
Classification: Uncertain significance for Hereditary nonpolyposis colorectal neoplasms. Last evaluated: 2025-05-26. Review status: criteria provided, single submitter. Criteria: Invitae Variant Classification Sherloc (09022015). Collection method: clinical testing. Allele origin: germline.
Comment: This sequence change replaces glutamine, which is neutral and polar, with leucine, which is neutral and non-polar, at codon 714 of the PMS2 protein (p.Gln714Leu). The frequency data for this variant in the population databases (gnomAD) is considered unreliable due to the presence of homologous sequence, such as pseudogenes or paralogs, in the genome. This variant has not been reported in the literature in individuals affected with PMS2-related conditions. ClinVar contains an entry for this variant (Variation ID: 967083). Invitae Evidence Modeling incorporating data from in vitro experimental studies (internal data) indicates that this missense variant is not expected to disrupt PMS2 function with a negative predictive value of 95%. In summary, the available evidence is currently insufficient to determine the role of this variant in disease. Therefore, it has been classified as a Variant of Uncertain Significance.

Ambry Genetics
Classification: Uncertain significance for Hereditary cancer-predisposing syndrome. Last evaluated: 2022-09-30. Review status: criteria provided, single submitter. Criteria: Ambry Variant Classification Scheme 2023. Collection method: clinical testing. Allele origin: germline.
Comment: The p.Q714L variant (also known as c.2141A>T), located in coding exon 12 of the PMS2 gene, results from an A to T substitution at nucleotide position 2141. The glutamine at codon 714 is replaced by leucine, an amino acid with dissimilar properties. This amino acid position is conserved. In addition, this alteration is predicted to be tolerated by in silico analysis. Since supporting evidence is limited at this time, the clinical significance of this alteration remains unclear.

NM_000535.7(PMS2):c.2141A>T (p.Gln714Leu)

Gene: PMS2 (PMS1 homolog 2, mismatch repair system component; minus strand). Cytogenetic location: 7p22.1.
Variant type: single nucleotide variant.
Coding change: c.2141A>T on transcript NM_000535.7 (MANE Select); coding-DNA position 2141, A replaced by T.
Protein change: p.Gln714Leu; replaces glutamine 714 with leucine.
Molecular consequence: missense variant. On other transcripts: non-coding transcript variant (1).
Genome position (GRCh38, 1-based): chr7:5,982,857, T>A on the plus strand (A>T on the coding strand, the complement: PMS2 is on the minus strand). VCF-style: chr7-5982857-T-A. GRCh37 (hg19) VCF-style: chr7-6022488-T-A.
Other names: c.1736A>T, p.Gln579Leu (NM_001322003.2, NM_001322004.2, NM_001322005.2 and 1 more transcripts); c.1985A>T, p.Gln662Leu (NM_001322006.2); c.1823A>T, p.Gln608Leu (NM_001322007.2, NM_001322008.2); c.1580A>T, p.Gln527Leu (NM_001322010.2); c.1208A>T, p.Gln403Leu (NM_001322011.2, NM_001322012.2); c.1568A>T, p.Gln523Leu (NM_001322013.2); c.2141A>T, p.Gln714Leu (NM_001322014.2); c.1832A>T, p.Gln611Leu (NM_001322015.2); short protein forms Q611L, Q403L, Q523L, Q579L, Q662L, Q714L, Q527L, Q608L.
Identifiers: ClinVar variation 967083 (VCV000967083.12), dbSNP rs1160860634, ClinGen allele CA366737901.